The following is an entry in ClinVar:

NM_001256789.3(CACNA1F):c.5395C>T (p.Arg1799Cys)

Gene: CACNA1F (calcium voltage-gated channel subunit alpha1 F; minus strand). Cytogenetic location: Xp11.23.
Variant type: single nucleotide variant.
Coding change: c.5395C>T on transcript NM_001256789.3 (MANE Select); coding-DNA position 5395, C replaced by T.
Protein change: p.Arg1799Cys; replaces arginine 1799 with cysteine.
Molecular consequence: missense variant.
Genome position (GRCh38, 1-based): chrX:49,206,588, G>A on the plus strand (C>T on the coding strand, the complement: CACNA1F is on the minus strand). VCF-style: chrX-49206588-G-A. GRCh37 (hg19) VCF-style: chrX-49063049-G-A.
Other names: c.5233C>T, p.Arg1745Cys (NM_001256790.3); c.5428C>T, p.Arg1810Cys (NM_005183.4); c.5428C>T (NM_005183.3); short protein forms R1810C, R1745C, R1799C.
Identifiers: ClinVar variation 1901730 (VCV001901730.7), dbSNP rs200713134, ClinGen allele CA10409984.
Genomic context (GRCh38, chrX:49,206,588, plus strand): 5'-CTGAATTTCGCCCACGATGATAGGTGCCTGGGATGGGTAAATCCTCACAACTGCCCTGGC[G>A]CTGCAGACACTGGATGGTGAAGGAGGGCTTCCGACCTGGGGGTGGGTGGGGCACCAGGGG-3'
Protein context (NP_001243718.1, residues 1789-1809): KPSFTIQCLQ[Arg1799Cys]QGSCEDLPIP

ClinVar aggregate classification (germline): Likely benign. Review status: criteria provided, multiple submitters, no conflicts (2 of 4 stars). 3 submissions from 3 submitters: Likely benign (3). Last evaluated 2025-03-26.

Conditions:
CACNA1F-related disorder. Also called: CACNA1F-related condition.

Allele frequency attached by ClinVar (database versions not stated): gnomAD exomes 0.00007; ESP Exome Variant Server 0.00009; gnomAD 0.00009; TOPMed 0.00009; ExAC 0.00015; 1000 Genomes Project 30x 0.00021; 1000 Genomes Project 0.00026.
gnomAD v4.1: 92 of 1,207,828 alleles (0.0076%); highest among the groups gnomAD compares: South Asian, 0.11%; 1 homozygote.

Submissions (3):

Labcorp Genetics (formerly Invitae), Labcorp
Classification: Likely benign. Last evaluated: 2025-03-26. Review status: criteria provided, single submitter. Criteria: Invitae Variant Classification Sherloc (09022015). Collection method: clinical testing. Allele origin: germline.

PreventionGenetics, part of Exact Sciences
Classification: Likely benign for CACNA1F-related condition. Last evaluated: 2024-10-09. Review status: criteria provided, single submitter. Criteria: ACMG Guidelines, 2015. Collection method: clinical testing. Allele origin: germline.
Comment: This variant is classified as likely benign based on ACMG/AMP sequence variant interpretation guidelines (Richards et al. 2015 PMID: 25741868, with internal and published modifications).

Blueprint Genetics
Classification: Likely benign. Last evaluated: 2023-11-17. Review status: criteria provided, single submitter. Criteria: ACMG Guidelines, 2015. Collection method: clinical testing. Allele origin: germline.